The following is an entry in ClinVar:

ClinVar aggregate classification (germline): Pathogenic/Likely pathogenic. Review status: criteria provided, multiple submitters, no conflicts (2 of 4 stars). 7 submissions from 7 submitters: Pathogenic (4); Likely pathogenic (3). Last evaluated 2025-09-24.

Conditions:
Leukoencephalopathy with vanishing white matter 1 (VWM1). Also called: Cree leukoencephalopathy; CHILDHOOD ATAXIA WITH CENTRAL NERVOUS SYSTEM HYPOMYELINIZATION; Vanishing white matter leukodystrophy; EIF2B1-Related Childhood Ataxia with Central Nervous System Hypomyelination/Vanishing White Matter. Identifiers: Orphanet 99854, MedGen C5779972, MONDO:0020507, OMIM 603896.
Vanishing white matter disease. Also called: Childhood ataxia with diffuse central nervous system hypomyelination; Leukoencephalopathy with vanishing white matter; CACH/VWM syndrome; Cree leukoencehalopathy; CACH syndrome. Identifiers: Orphanet 135, Orphanet 99853, MedGen C1858991, MONDO:0800448.
EIF2B1-related disorder. Also called: EIF2B1-related condition.

Allele frequency attached by ClinVar (database versions not stated): TOPMed 0.00004; gnomAD 0.00006 and 0.00004; ESP Exome Variant Server 0.00008; gnomAD exomes 0.00009 and 0.00013; ExAC 0.00015; 1000 Genomes Project 0.00020; 1000 Genomes Project 30x 0.00031.
gnomAD v4.1: 134 of 1,614,114 alleles (0.0083%); highest among the groups gnomAD compares: South Asian, 0.11%; no homozygotes.

Submissions (7):

Variantyx, Inc.
Classification: Pathogenic for Leukoencephalopathy with vanishing white matter 1. Last evaluated: 2025-09-24. Review status: criteria provided, single submitter. Criteria: Variantyx Assertion Criteria 2022. Collection method: clinical testing. Allele origin: germline. Inheritance: Autosomal recessive inheritance. Affected: no.
Comment: This is a nonsense variant in the EIF2B1 gene (OMIM: 606686). Pathogenic variants in this gene have been associated with autosomal recessive leukoencephalopathy with vanishing white matter 1. This variant introduces a premature termination codon in exon 5 out of 9 and is expected to result in loss of function, which is a known disease mechanism for EIF2B1 in this disorder (PMID: 35579296) (PVS1). It has been reported in the compound heterozygous state in several unrelated affected individuals {PMID: 32865661, PMID: 36801247} (PM3_Strong) and has a 0.1109% maximum allele frequency in non-founder control populations. Based on the current evidence, this variant is classified as pathogenic for autosomal recessive leukoencephalopathy with vanishing white matter 1.

Mayo Clinic Laboratories, Mayo Clinic
Classification: Pathogenic. Last evaluated: 2025-06-12. Review status: criteria provided, single submitter. Criteria: ACMG Guidelines, 2015. Collection method: clinical testing. Allele origin: germline. Observed: 1 variant allele.
Comment: PM2_supporting, PM3_strong, PVS1

Foundation for Research in Genetics and Endocrinology, FRIGE's Institute of Human Genetics
Classification: Pathogenic for Leukoencephalopathy with vanishing white matter 1. Last evaluated: 2024-07-23. Review status: criteria provided, single submitter. Criteria: ACMG Guidelines, 2015. Collection method: clinical testing. Allele origin: germline. Inheritance: Autosomal recessive inheritance. Affected: yes. Observed: 1 compound heterozygote.
Comment: A heterozygous nonsense variation in exon 5 of the EIF2B1 gene that results in a stop codon and premature truncation of the protein at codon 147 was detected. The observed variant c.439C>T (p.Arg147Ter) has a minor allele frequency of 0.02% and 0.01% in the 1000 genomes and ExAC databases. The in silico prediction of the variant damaging by MutationTaster2. The reference codon is conserved across species. The aforementioned variant is found in trans with a likely pathogenic variant c. 824A>G in EIF2B1 gene. Nonsense variants in the EIF2B1 gene are not reported in the literature. In summary, the variant meets our criteria to be classified as pathogenic.

Fulgent Genetics
Classification: Likely pathogenic for Leukoencephalopathy with vanishing white matter 1. Last evaluated: 2024-05-16. Review status: criteria provided, single submitter. Criteria: ACMG Guidelines, 2015. Collection method: clinical testing. Allele origin: germline.

Labcorp Genetics (formerly Invitae), Labcorp
Classification: Pathogenic. Last evaluated: 2024-01-11. Review status: criteria provided, single submitter. Criteria: Invitae Variant Classification Sherloc (09022015). Collection method: clinical testing. Allele origin: germline.
Comment: This sequence change creates a premature translational stop signal (p.Arg147*) in the EIF2B1 gene. It is expected to result in an absent or disrupted protein product. Loss-of-function variants in EIF2B1 are known to be pathogenic (PMID: 11835386, 32865661). This variant is present in population databases (rs370678173, gnomAD 0.08%). This premature translational stop signal has been observed in individual(s) with leukoencephalopathy with vanishing white matter and X-linked thrombocytopenia (PMID: 32865661). ClinVar contains an entry for this variant (Variation ID: 995942). Algorithms developed to predict the effect of sequence changes on RNA splicing suggest that this variant may disrupt the consensus splice site. For these reasons, this variant has been classified as Pathogenic.

Blueprint Genetics
Classification: Likely pathogenic for EIF2B1-related disorders. Last evaluated: 2021-09-07. Review status: criteria provided, single submitter. Criteria: ACMG Guidelines, 2015. Collection method: clinical testing. Allele origin: germline. Affected: yes. Observed: 3 variant alleles.

Kasturba Medical College, Manipal, Kasturba Medical College, Manipal, Manipal Academy of Higher Education, Manipal, India
Classification: Likely pathogenic for Leukoencephalopathy with vanishing white matter 1. Review status: criteria provided, single submitter. Criteria: ACMG Guidelines, 2015. Collection method: research. Allele origin: inherited. Affected: yes.

Literature cited by the submitters: PubMed 32865661 (cited by 3 submitters); PubMed 35579296 (cited by Variantyx, Inc.); PubMed 36801247 (cited by Variantyx, Inc. and Mayo Clinic Laboratories, Mayo Clinic); PubMed 34302356 (cited by Mayo Clinic Laboratories, Mayo Clinic); PubMed 11835386 (cited by Labcorp Genetics (formerly Invitae), Labcorp).

NM_001414.4(EIF2B1):c.439C>T (p.Arg147Ter)

Gene: EIF2B1 (eukaryotic translation initiation factor 2B subunit alpha; minus strand). Cytogenetic location: 12q24.31.
Variant type: single nucleotide variant.
Coding change: c.439C>T on transcript NM_001414.4 (MANE Select); coding-DNA position 439, C replaced by T.
Protein change: p.Arg147Ter; replaces arginine 147 with a stop codon.
Molecular consequence: nonsense.
Genome position (GRCh38, 1-based): chr12:123,627,087, G>A on the plus strand (C>T on the coding strand, the complement: EIF2B1 is on the minus strand). VCF-style: chr12-123627087-G-A. GRCh37 (hg19) VCF-style: chr12-124111634-G-A.
Other names: p.Arg147*; short protein forms R147*.
Identifiers: ClinVar variation 995942 (VCV000995942.20), dbSNP rs370678173, ClinGen allele CA6860130.
Genomic context (GRCh38, chr12:123,627,087, plus strand): 5'-AACAGAAAGGTACTTGCCCTGACAAATCAGGCTGTGACTCTGTGACGTATACACTAAATC[G>A]CTTCTTGGCCGCCACGGCTGCTTCCAGGACTCTCAGGACCACTCTGGAGTAGGCGTGAGT-3'